The following is an entry in ClinVar:

ClinVar aggregate classification (germline): Benign. Review status: criteria provided, multiple submitters, no conflicts (2 of 4 stars). 2 submissions from 2 submitters: Benign (2). Last evaluated 2016-03-29.

Allele frequency attached by ClinVar (database versions not stated): 1000 Genomes Project 0.70288; 1000 Genomes Project 30x 0.71237; gnomAD exomes 0.78188 and 0.82236; ExAC 0.78381; gnomAD 0.81746 and 0.83021; TOPMed 0.82586; ESP Exome Variant Server 0.84710.
gnomAD v4.1: 1,324,344 of 1,612,340 alleles (82%); highest among the groups gnomAD compares: Middle Eastern, 88%; 550,499 homozygotes.

Submissions (2):

Laboratory for Molecular Medicine, Mass General Brigham Personalized Medicine
Classification: Benign. Last evaluated: 2016-03-29. Review status: criteria provided, single submitter. Criteria: LMM Criteria. Collection method: clinical testing. Allele origin: germline.
Comment: Variant identified in a genome or exome case(s) and assessed due to predicted null impact of the variant or pathogenic assertions in the literature or databases. Disclaimer: This variant has not undergone full assessment. The following are preliminary notes: Frequency

Breakthrough Genomics
Classification: Benign. Review status: criteria provided, single submitter. Criteria: ACMG Guidelines, 2015. Collection method: not provided. Allele origin: germline. Inheritance: Unknown mechanism. Affected: yes.

NM_004890.3(SPAG7):c.328-4T>C

Gene: SPAG7 (sperm associated antigen 7; minus strand). Cytogenetic location: 17p13.2.
Variant type: single nucleotide variant.
Coding change: c.328-4T>C on transcript NM_004890.3 (MANE Select); 4 bases into the intron before coding-DNA position 328, T replaced by C.
Molecular consequence: intron variant.
Genome position (GRCh38, 1-based): chr17:4,960,115, A>G on the plus strand (T>C on the coding strand, the complement: SPAG7 is on the minus strand). VCF-style: chr17-4960115-A-G. GRCh37 (hg19) VCF-style: chr17-4863410-A-G.
Identifiers: ClinVar variation 403467 (VCV000403467.5), dbSNP rs238224, ClinGen allele CA8316795.
Genomic context (GRCh38, chr17:4,960,115, plus strand): 5'-GTCCCATTCCTCTCCACGACGGTAAGAGTCTAGCTCTTCATCTGAGGGTGCAAACTCCTG[A>G]AGAAGAGCAGAATGATGGGGTCAGAGTCCATACAAATGTTTCATTTCATTCCTTGGTCGG-3'